The following is an entry in ClinVar:

NM_001365951.3(KIF1B):c.3597G>C (p.Gln1199His)

Gene: KIF1B (kinesin family member 1B; plus strand). Cytogenetic location: 1p36.22.
Variant type: single nucleotide variant.
Coding change: c.3597G>C on transcript NM_001365951.3 (MANE Select); coding-DNA position 3597, G replaced by C.
Protein change: p.Gln1199His; replaces glutamine 1199 with histidine.
Molecular consequence: missense variant.
Genome position (GRCh38, 1-based): chr1:10,342,133, G>C. VCF-style: chr1-10342133-G-C. GRCh37 (hg19) VCF-style: chr1-10402191-G-C.
Other names: c.3597G>C, p.Gln1199His (NM_001365952.1); c.3459G>C, p.Gln1153His (NM_015074.3); short protein forms Q1153H, Q1199H.
Identifiers: ClinVar variation 4543698 (VCV004543698.1).

ClinVar aggregate classification (germline): Uncertain significance (1 of 4 stars; one submission).

Submission:

Ambry Genetics
Classification: Uncertain significance. Last evaluated: 2025-12-12. Review status: criteria provided, single submitter. Criteria: Ambry Variant Classification Scheme 2023. Collection method: clinical testing. Allele origin: germline.
Comment: The p.Q1153H variant (also known as c.3459G>C), located in coding exon 30 of the KIF1B gene, results from a G to C substitution at nucleotide position 3459. The glutamine at codon 1153 is replaced by histidine, an amino acid with highly similar properties. This amino acid position is conserved. In addition, this alteration is predicted to be tolerated by in silico analysis. Based on the available evidence, the clinical significance of this variant remains unclear.